The following is an entry in ClinVar:

ClinVar aggregate classification (germline): Uncertain significance (1 of 4 stars; one submission).

Conditions:
Autosomal dominant nonsyndromic hearing loss 1. Also called: KONIGSMARK SYNDROME; DEAFNESS, AUTOSOMAL DOMINANT 1, WITH OR WITHOUT THROMBOCYTOPENIA. Identifiers: Orphanet 90635, MedGen C1852282, MONDO:0007424, OMIM 124900.
Progressive microcephaly-seizures-cortical blindness-developmental delay syndrome. Also called: Seizures, cortical blindness, and microcephaly syndrome. Identifiers: Orphanet 477814, MedGen C5567650, MONDO:0014714, OMIM 616632.

Submission:

Labcorp Genetics (formerly Invitae), Labcorp
Classification: Uncertain significance for Progressive microcephaly-seizures-cortical blindness-developmental delay syndrome; Autosomal dominant nonsyndromic hearing loss 1. Last evaluated: 2024-01-18. Review status: criteria provided, single submitter. Criteria: Invitae Variant Classification Sherloc (09022015). Collection method: clinical testing. Allele origin: germline.
Comment: This sequence change replaces threonine, which is neutral and polar, with asparagine, which is neutral and polar, at codon 607 of the DIAPH1 protein (p.Thr607Asn). This variant is not present in population databases (gnomAD no frequency). This variant has not been reported in the literature in individuals affected with DIAPH1-related conditions. Experimental studies and prediction algorithms are not available or were not evaluated, and the functional significance of this variant is currently unknown. In summary, the available evidence is currently insufficient to determine the role of this variant in disease. Therefore, it has been classified as a Variant of Uncertain Significance.

NM_005219.5(DIAPH1):c.1820C>A (p.Thr607Asn)

Gene: DIAPH1 (diaphanous related formin 1; minus strand). Cytogenetic location: 5q31.3.
Variant type: single nucleotide variant.
Coding change: c.1820C>A on transcript NM_005219.5 (MANE Select); coding-DNA position 1820, C replaced by A.
Protein change: p.Thr607Asn; replaces threonine 607 with asparagine.
Molecular consequence: missense variant.
Genome position (GRCh38, 1-based): chr5:141,574,030, G>T on the plus strand (C>A on the coding strand, the complement: DIAPH1 is on the minus strand). VCF-style: chr5-141574030-G-T. GRCh37 (hg19) VCF-style: chr5-140953597-G-T.
Other names: c.1793C>A, p.Thr598Asn (NM_001079812.3); c.1820C>A, p.Thr607Asn (NM_001314007.2); short protein forms T598N, T607N.
Identifiers: ClinVar variation 2922285 (VCV002922285.3), dbSNP rs2099895593, ClinGen allele CA361520905.
Genomic context (GRCh38, chr5:141,574,030, plus strand): 5'-ATGCAAACACCCCCAGGCAAAGGAGGTGGAGGAGGAGGAGGAGGAGGAGGAGGAGGAGGA[G>T]TGGTACTATCCCCAGGAGCAGGTGGTGGTGGAATAATAGTGCCAGAGTCACCAGGTAAAG-3'
Protein context (NP_005210.3, residues 597-617): PPPPAPGDST[Thr607Asn]PPPPPPPPPP